The following is an entry in ClinVar:

NM_001330260.2(SCN8A):c.5126G>C (p.Gly1709Ala)

Gene: SCN8A (sodium voltage-gated channel alpha subunit 8; plus strand). Cytogenetic location: 12q13.13.
Variant type: single nucleotide variant.
Coding change: c.5126G>C on transcript NM_001330260.2 (MANE Select); coding-DNA position 5126, G replaced by C.
Protein change: p.Gly1709Ala; replaces glycine 1709 with alanine.
Molecular consequence: missense variant.
Genome position (GRCh38, 1-based): chr12:51,806,612, G>C. VCF-style: chr12-51806612-G-C. GRCh37 (hg19) VCF-style: chr12-52200396-G-C.
Other names: c.5003G>C, p.Gly1668Ala (NM_001177984.3, NM_001369788.1); c.5126G>C, p.Gly1709Ala (NM_014191.4); short protein forms G1668A, G1709A.
Identifiers: ClinVar variation 4801288 (VCV004801288.1).
Genomic context (GRCh38, chr12:51,806,612, plus strand): 5'-AGACATTTGGCAACAGCATGATCTGCCTGTTTCAAATCACAACCTCAGCTGGTTGGGATG[G>C]CCTGCTGCTGCCCATCCTAAACCGCCCCCCTGACTGCAGCCTAGATAAGGAACACCCAGG-3'
Protein context (NP_001317189.1, residues 1699-1719): FQITTSAGWD[Gly1709Ala]LLLPILNRPP

ClinVar aggregate classification (germline): Uncertain significance (1 of 4 stars; one submission).

Conditions:
Early-infantile DEE. Also called: Early infantile epileptic encephalopathy with suppression bursts; Early infantile epileptic encephalopathy; Ohtahara syndrome. Identifiers: Orphanet 1934, MedGen C0393706, MONDO:0800491.

Submission:

Labcorp Genetics (formerly Invitae), Labcorp
Classification: Uncertain significance for Early-infantile DEE. Last evaluated: 2025-06-14. Review status: criteria provided, single submitter. Criteria: Invitae Variant Classification Sherloc (09022015). Collection method: clinical testing. Allele origin: germline.
Comment: This sequence change replaces glycine, which is neutral and non-polar, with alanine, which is neutral and non-polar, at codon 1709 of the SCN8A protein (p.Gly1709Ala). This variant is not present in population databases (gnomAD no frequency). This variant has not been reported in the literature in individuals affected with SCN8A-related conditions. Invitae Evidence Modeling of protein sequence and biophysical properties (such as structural, functional, and spatial information, amino acid conservation, physicochemical variation, residue mobility, and thermodynamic stability) indicates that this missense variant is expected to disrupt SCN8A protein function with a positive predictive value of 95%. In summary, the available evidence is currently insufficient to determine the role of this variant in disease. Therefore, it has been classified as a Variant of Uncertain Significance.